The following is an entry in ClinVar:

NM_001244008.2(KIF1A):c.4649G>T (p.Arg1550Leu)

Gene: KIF1A (kinesin family member 1A; minus strand). Cytogenetic location: 2q37.3.
Variant type: single nucleotide variant.
Coding change: c.4649G>T on transcript NM_001244008.2 (MANE Select); coding-DNA position 4649, G replaced by T.
Protein change: p.Arg1550Leu; replaces arginine 1550 with leucine.
Molecular consequence: missense variant.
Genome position (GRCh38, 1-based): chr2:240,722,472, C>A on the plus strand (G>T on the coding strand, the complement: KIF1A is on the minus strand). VCF-style: chr2-240722472-C-A. GRCh37 (hg19) VCF-style: chr2-241661889-C-A.
Other names: c.4373G>T, p.Arg1458Leu (NM_001320705.2, NM_001379649.1); c.4400G>T, p.Arg1467Leu (NM_001330289.2); c.4448G>T, p.Arg1483Leu (NM_001330290.2, NM_001379648.1); c.4724G>T, p.Arg1575Leu (NM_001379631.1); c.4625G>T, p.Arg1542Leu (NM_001379632.1); c.4622G>T, p.Arg1541Leu (NM_001379633.1, NM_001379645.1); c.4475G>T, p.Arg1492Leu (NM_001379634.1); c.4472G>T, p.Arg1491Leu (NM_001379635.1, NM_001379646.1); and 7 more; short protein forms R1448L, R1449L, R1466L, R1474L, R1487L, R1575L, R1457L, R1467L.
Identifiers: ClinVar variation 2152167 (VCV002152167.4), dbSNP rs952804990, ClinGen allele CA351303563.

ClinVar aggregate classification (germline): Uncertain significance (1 of 4 stars; one submission).

Conditions:
Neuropathy, hereditary sensory, type 2C. Also called: Hereditary sensory and autonomic neuropathy type IIC; KIF1A-Related HSAN2 (HSAN2C). Identifiers: Orphanet 970, MedGen C3280168, MONDO:0013634, OMIM 614213.
Intellectual disability, autosomal dominant 9 (NESCAVS). Also called: NESCAV SYNDROME; KIF1A-Related Neurodevelopmental Disorder. Identifiers: Orphanet 662367, MedGen C5393830, MONDO:0013656, OMIM 614255.
Hereditary spastic paraplegia 30. Identifiers: Orphanet 101010, MedGen C5235139, MONDO:0012476.

Submission:

Labcorp Genetics (formerly Invitae), Labcorp
Classification: Uncertain significance for Hereditary spastic paraplegia 30; Neuropathy, hereditary sensory, type 2C; Intellectual disability, autosomal dominant 9. Last evaluated: 2022-07-23. Review status: criteria provided, single submitter. Criteria: Invitae Variant Classification Sherloc (09022015). Collection method: clinical testing. Allele origin: germline.
Comment: This variant has not been reported in the literature in individuals affected with KIF1A-related conditions. Advanced modeling of protein sequence and biophysical properties (such as structural, functional, and spatial information, amino acid conservation, physicochemical variation, residue mobility, and thermodynamic stability) performed at Invitae indicates that this missense variant is not expected to disrupt KIF1A protein function. In summary, the available evidence is currently insufficient to determine the role of this variant in disease. Therefore, it has been classified as a Variant of Uncertain Significance. This variant is not present in population databases (gnomAD no frequency). This sequence change replaces arginine, which is basic and polar, with leucine, which is neutral and non-polar, at codon 1449 of the KIF1A protein (p.Arg1449Leu).